The following is an entry in ClinVar:

ClinVar aggregate classification (germline): Uncertain significance (1 of 4 stars; one submission).

Conditions:
Normophosphatemic familial tumoral calcinosis. Also called: CALCINOSIS, TUMORAL, WITH NORMOPHOSPHATEMIA. Identifiers: Orphanet 306658, Orphanet 53715, MedGen C1864861, MONDO:0012502, OMIM 610455.

Submission:

Myriad Genetics, Inc.
Classification: Uncertain significance for Normophosphatemic familial tumoral calcinosis. Last evaluated: 2025-07-16. Review status: criteria provided, single submitter. Criteria: Myriad Autosomal Dominant, Autosomal Recessive and X-Linked Classification Criteria (2023). Collection method: clinical testing. Allele origin: unknown.
Comment: NM_017654.3(SAMD9):c.720dupA(D241Rfs*15) is a frameshift variant classified as a variant of uncertain significance in the context of normophosphatemic familial tumoral calcinosis. D241Rfs*15 has not been observed in cases with relevant disease. Relevant functional assessments of this variant are not available in the literature. D241Rfs*15 has not been observed in referenced population frequency databases. In summary, there is insufficient evidence to classify NM_017654.3(SAMD9):c.720dupA(D241Rfs*15) as pathogenic or benign. Please note: this variant was assessed in the context of healthy population screening.

NM_017654.4(SAMD9):c.720dup (p.Asp241fs)

Gene: SAMD9 (sterile alpha motif domain containing 9; minus strand). Cytogenetic location: 7q21.2.
Variant type: Duplication.
Coding change: c.720dup on transcript NM_017654.4 (MANE Select); coding-DNA position 720, one base duplicated (A; older notation c.720dupA).
Protein change: p.Asp241fs; shifts the reading frame from aspartic acid 241.
Molecular consequence: frameshift variant.
Genome position (GRCh38, 1-based): chr7:93,105,378, T duplicated on the plus strand (A on the coding strand, the reverse complement: SAMD9 is on the minus strand); the first of 3 consecutive T bases (chr7:93,105,378-93,105,380); duplicating any one gives the same sequence. VCF-style (leftmost placement, unchanged base first): chr7-93105377-C-CT. GRCh37 (hg19) VCF-style: chr7-92734690-C-CT.
Other names: c.720dup, p.Asp241fs (NM_001193307.2); short protein forms D241fs.
Identifiers: ClinVar variation 5004064 (VCV005004064.1).